The following is an entry in ClinVar:

NM_000492.4(CFTR):c.3743C>G (p.Ser1248Ter)

Genes: CFTR (CF transmembrane conductance regulator; plus strand), CFTR-AS2 (CFTR antisense RNA 2; minus strand). Cytogenetic location: 7q31.2.
Variant type: single nucleotide variant.
Coding change: c.3743C>G on transcript NM_000492.4 (MANE Select); coding-DNA position 3743, C replaced by G.
Protein change: p.Ser1248Ter; replaces serine 1248 with a stop codon.
Molecular consequence: nonsense.
Genome position (GRCh38, 1-based): chr7:117,642,463, C>G. VCF-style: chr7-117642463-C-G. GRCh37 (hg19) VCF-style: chr7-117282517-C-G.
Other names: short protein forms S1248*.
Identifiers: ClinVar variation 2136607 (VCV002136607.10), dbSNP rs148122007, ClinGen allele CA368974511.

ClinVar aggregate classification (germline): Pathogenic/Likely pathogenic. Review status: criteria provided, multiple submitters, no conflicts (2 of 4 stars). 5 submissions from 5 submitters: Pathogenic (4); Likely pathogenic (1). Last evaluated 2026-05-28.

Conditions:
Bronchiectasis with or without elevated sweat chloride 1 (BESC1). Also called: Cystic Fibrosis-Like Syndrome. Identifiers: Orphanet 60033, MedGen C2749757, MONDO:0008887, OMIM 211400.
CFTR-related disorder (CFTR-RD). Also called: CFTR-related condition; CFTR-related disorders. Identifiers: MedGen C5924204, MONDO:7770004.
Cystic fibrosis (CF). Also called: MUCOVISCIDOSIS. Identifiers: Orphanet 586, MedGen C0010674, MONDO:0009061, OMIM 219700. Disease mechanism: loss of function.

Allele frequency attached by ClinVar (database versions not stated): TOPMed below 0.00001.
gnomAD v4.1: 2 of 1,613,598 alleles (0.00012%); highest among the groups gnomAD compares: African/African-American, 0.0013%; no homozygotes.

Submissions (5):

Ambry Genetics
Classification: Pathogenic for Cystic fibrosis. Last evaluated: 2026-05-28. Review status: criteria provided, single submitter. Criteria: Ambry Variant Classification Scheme 2023. Collection method: clinical testing. Allele origin: germline.
Comment: The p.S1248* pathogenic mutation (also known as c.3743C>G), located in coding exon 23 of the CFTR gene, results from a C to G substitution at nucleotide position 3743. This changes the amino acid from a serine to a stop codon within coding exon 23. This variant is considered to be rare based on population cohorts in the Genome Aggregation Database (gnomAD). This alteration is expected to result in loss of function by premature protein truncation or nonsense-mediated mRNA decay. As such, this alteration is interpreted as a disease-causing mutation.

Natera, Inc.
Classification: Pathogenic for CFTR-related disorders. Last evaluated: 2025-08-03. Review status: criteria provided, single submitter. Criteria: Natera Variant Classification Schema (03/2026). Collection method: clinical testing. Allele origin: germline.
Comment: The c.3743C>G variant in CFTR is a nonsense variant predicted to introduce a stop codon at amino acid 1248. This variant is expected to result in nonsense mediated decay, truncation, or a dysfunctional protein product. This variant is rare in the general population with a frequency below the threshold expected for the associated phenotype(s). This variant has been observed in one or more individuals affected with the associated recessive disease, as either homozygous or compound heterozygous with a second variant (PMID: 39582793). Given the available evidence, this variant is classified as Pathogenic.

Labcorp Genetics (formerly Invitae), Labcorp
Classification: Pathogenic for Cystic fibrosis. Last evaluated: 2025-02-28. Review status: criteria provided, single submitter. Criteria: Invitae Variant Classification Sherloc (09022015). Collection method: clinical testing. Allele origin: germline.
Comment: This sequence change creates a premature translational stop signal (p.Ser1248*) in the CFTR gene. It is expected to result in an absent or disrupted protein product. Loss-of-function variants in CFTR are known to be pathogenic (PMID: 1695717, 7691345, 9725922). This variant is not present in population databases (gnomAD no frequency). This premature translational stop signal has been observed in individual(s) with cystic fibrosis (PMID: 26708955). ClinVar contains an entry for this variant (Variation ID: 2136607). For these reasons, this variant has been classified as Pathogenic.

Women's Health and Genetics/Laboratory Corporation of America, LabCorp
Classification: Pathogenic for Cystic fibrosis. Last evaluated: 2024-03-04. Review status: criteria provided, single submitter. Criteria: LabCorp Variant Classification Summary - May 2015. Collection method: clinical testing. Allele origin: germline.
Comment: Variant summary: CFTR c.3743C>G (p.Ser1248X) results in a premature termination codon, predicted to cause a truncation of the encoded protein or absence of the protein due to nonsense mediated decay, which are commonly known mechanisms for disease. The variant was absent in 250990 control chromosomes. c.3743C>G has been reported in the literature in individuals affected with Cystic Fibrosis (Schrijver_2016). These data do not allow any conclusion about variant significance. To our knowledge, no experimental evidence demonstrating an impact on protein function has been reported. The following publication have been ascertained in the context of this evaluation (PMID: 26708955). ClinVar contains an entry for this variant (Variation ID: 2136607). Based on the evidence outlined above, the variant was classified as pathogenic.

Baylor Genetics
Classification: Likely pathogenic for Bronchiectasis with or without elevated sweat chloride 1. Last evaluated: 2024-02-21. Review status: criteria provided, single submitter. Criteria: ACMG Guidelines, 2015. Collection method: clinical testing. Allele origin: unknown.

Literature cited by the submitters: PubMed 39582793 (cited by Natera, Inc.); PubMed 1695717 (cited by Labcorp Genetics (formerly Invitae), Labcorp); PubMed 7691345 (cited by Labcorp Genetics (formerly Invitae), Labcorp); PubMed 9725922 (cited by Labcorp Genetics (formerly Invitae), Labcorp); PubMed 26708955 (cited by Labcorp Genetics (formerly Invitae), Labcorp and Women's Health and Genetics/Laboratory Corporation of America, LabCorp).